The following is an entry in ClinVar:

ClinVar aggregate classification (germline): Uncertain significance (1 of 4 stars; one submission).

Conditions:
Hereditary cancer-predisposing syndrome. Also called: Tumor predisposition; Hereditary Cancer Syndrome; Neoplastic Syndromes, Hereditary; Hereditary neoplastic syndrome. Identifiers: Orphanet 140162, MedGen C0027672, MeSH D009386, MONDO:0015356.

Allele frequency attached by ClinVar (database versions not stated): gnomAD exomes below 0.00001.
gnomAD v4.1: 1 of 1,613,934 alleles (0.000062%); highest among the groups gnomAD compares: Non-Finnish European, 0.000085%; no homozygotes.

Submission:

Ambry Genetics
Classification: Uncertain significance for Hereditary cancer-predisposing syndrome. Last evaluated: 2022-08-05. Review status: criteria provided, single submitter. Criteria: Ambry Variant Classification Scheme 2023. Collection method: clinical testing. Allele origin: germline.
Comment: The p.V858L variant (also known as c.2572G>T), located in coding exon 10 of the MET gene, results from a G to T substitution at nucleotide position 2572. The valine at codon 858 is replaced by leucine, an amino acid with highly similar properties. This amino acid position is conserved. In addition, this alteration is predicted to be tolerated by in silico analysis. Since supporting evidence is limited at this time, the clinical significance of this alteration remains unclear.

NM_000245.4(MET):c.2518G>T (p.Val840Leu)

Gene: MET (MET proto-oncogene, receptor tyrosine kinase; plus strand). Cytogenetic location: 7q31.2.
Variant type: single nucleotide variant.
Coding change: c.2518G>T on transcript NM_000245.4 (MANE Select); coding-DNA position 2518, G replaced by T.
Protein change: p.Val840Leu; replaces valine 840 with leucine.
Molecular consequence: missense variant.
Genome position (GRCh38, 1-based): chr7:116,763,203, G>T. VCF-style: chr7-116763203-G-T. GRCh37 (hg19) VCF-style: chr7-116403257-G-T.
Other names: c.2572G>T, p.Val858Leu (NM_001127500.3); c.2518G>T, p.Val840Leu (NM_001324401.3); c.1228G>T, p.Val410Leu (NM_001324402.2); short protein forms V410L, V858L, V840L.
Identifiers: ClinVar variation 1793265 (VCV001793265.2), dbSNP rs2116956501, ClinGen allele CA368983505.